The following is an entry in ClinVar:

ClinVar aggregate classification (germline): Pathogenic. Review status: criteria provided, multiple submitters, no conflicts (2 of 4 stars). 15 submissions from 15 submitters: Pathogenic (14). 1 of the submissions does not count toward it. Last evaluated 2026-10-07.

Conditions:
PIEZO1-related disorder. Also called: PIEZO1-related condition; PIEZO1-Related Disorders.
Lymphatic malformation 6 (LMPHM6). Also called: PIEZO1-related generalized lymphatic dysplasia with non-immune hydrops fetalis; GENERALIZED LYMPHATIC DYSPLASIA OF FOTIOU; Lymphedema, hereditary, III. Identifiers: Orphanet 568062, MedGen C4225184, MONDO:0014797, OMIM 616843.
Dehydrated hereditary stomatocytosis with or without pseudohyperkalemia and/or perinatal edema (DHS1). Also called: DEHYDRATED HEREDITARY STOMATOCYTOSIS AND PSEUDOHYPERKALEMIA; Dehydrated hereditary stomatocytosis 1 with or without pseudohyperkalemia and/or perinatal edema; DEHYDRATED HEREDITARY STOMATOCYTOSIS WITH PSEUDOHYPERKALEMIA AND PERINATAL EDEMA; Pseudohyperkalemia, familial, 1, due to red cell leak; PSEUDOHYPERKALEMIA EDINBURGH. Identifiers: Orphanet 3202, MedGen C4551512, MONDO:0008689, OMIM 194380.
Blood group, ER (ER). Also called: ER BLOOD GROUP SYSTEM. Identifiers: MedGen C5703066, OMIM 620207.
Rare anaemia.

Submissions (15):

GeneDx
Classification: Pathogenic. Last evaluated: 2026-10-07. Review status: criteria provided, single submitter. Criteria: GeneDx Variant Classification Process June 2021. Collection method: clinical testing. Allele origin: germline.
Comment: Published functional studies demonstrate a damaging effect on channel activity by slowing deactivation after stimulation (PMID: 28716860); In-frame duplication of 2 amino acids in a non-repeat region; Not observed at significant frequency in large population cohorts (gnomAD); This variant is associated with the following publications: (PMID: 38556258, 23695678, 31340627, 18377960, 9827909, 28716860, 40479596, 33057194, 36864026, 32112123, 32109669, 31019026, 28367341, 35982159, 31040790, 32036089, 30655378, 33074480, RuiterT2024[Abstract], 40943525, 39039281, 38033286, Ionescu2025[Abstract], deWildeJ2025[Article], 30187933, Ionescu2025[abstract])

Labcorp Genetics (formerly Invitae), Labcorp
Classification: Pathogenic. Last evaluated: 2025-08-13. Review status: criteria provided, single submitter. Criteria: Invitae Variant Classification Sherloc (09022015). Collection method: clinical testing. Allele origin: germline.
Comment: This variant, c.7483_7488dup, results in the insertion of 2 amino acid(s) of the PIEZO1 protein (p.Leu2495_Glu2496dup), but otherwise preserves the integrity of the reading frame. This variant is not present in population databases (gnomAD no frequency). This variant has been observed in individual(s) with autosomal dominant dehydrated hereditary stomatocytosis (PMID: 23695678, 30187933). It has also been observed to segregate with disease in related individuals. This variant is also known as c.7473_7478dup p.Glu2492_Leu2493dup and E2496ELE. ClinVar contains an entry for this variant (Variation ID: 418948). Algorithms developed to predict the effect of variants on gene product structure and function are not available or were not evaluated for this variant. Experimental studies have shown that this variant affects PIEZO1 function (PMID: 23695678). For these reasons, this variant has been classified as Pathogenic.

Mayo Clinic Laboratories, Mayo Clinic
Classification: Pathogenic. Last evaluated: 2025-05-06. Review status: criteria provided, single submitter. Criteria: ACMG Guidelines, 2015. Collection method: clinical testing. Allele origin: germline. Observed: 11 variant alleles.
Comment: PP1, PM2_moderate, PM4, PS3

Center for Genomic Medicine, Rigshospitalet, Copenhagen University Hospital
Classification: Pathogenic. Last evaluated: 2025-03-04. Review status: criteria provided, single submitter. Criteria: ACMG Guidelines, 2015. Collection method: clinical testing. Allele origin: germline.

North West Genomic Laboratory Hub, Manchester University NHS Foundation Trust
Classification: Pathogenic for Rare anaemia. Last evaluated: 2025-03-03. Review status: criteria provided, single submitter. Criteria: ACGS Best Practice Guidelines for Variant Classification in Rare Disease 2024. Collection method: clinical testing. Allele origin: germline. Affected: yes.
Comment: PS3_Supp PM2_Mod PS4_Mod PP1_Str PM4_Mod

PreventionGenetics, part of Exact Sciences
Classification: Pathogenic for PIEZO1-related condition. Last evaluated: 2024-12-30. Review status: criteria provided, single submitter. Criteria: ACMG Guidelines, 2015. Collection method: clinical testing. Allele origin: germline.
Comment: The PIEZO1 c.7483_7488dup6 variant is predicted to result in an in-frame duplication (p.Leu2495_Glu2496dup). This variant was reported to segregate with autosomal dominant dehydrated hereditary stomatocytosis in multiple families (Albuisson et al. 2013. PubMed ID: 23695678; Table S15, Clark et al. 2019. PubMed ID: 31019026; Jamwal et al. 2020. PubMed ID: 32036089; de Meira Oliveira et al. 2020. PubMed ID: 32109669). Functional studies indicate this variant results in a gain-of-function mechanism leading to mechanically activated currents that inactivate more slowly than wildtype currents (Albuisson et al. 2013. PubMed ID: 23695678). Of note, this variant has been referred to as p.E2496ELE in the literature. This variant has not been reported in a large population database (gnomAD), indicating this variant is rare. In ClinVar this variant has been reported as pathogenic by several laboratories. Taken together, this variant is interpreted as pathogenic.

Blueprint Genetics
Classification: Pathogenic for PIEZO1-related disorders. Last evaluated: 2024-08-16. Review status: criteria provided, single submitter. Criteria: ACMG Guidelines, 2015. Collection method: clinical testing. Allele origin: germline. Affected: yes. Observed: 4 variant alleles.

Revvity Omics, Revvity
Classification: Pathogenic. Last evaluated: 2024-06-20. Review status: criteria provided, single submitter. Criteria: ACMG Guidelines, 2015. Collection method: clinical testing. Allele origin: germline.

Fulgent Genetics
Classification: Pathogenic for Dehydrated hereditary stomatocytosis with or without pseudohyperkalemia and/or perinatal edema; Lymphatic malformation 6; Blood group, ER. Last evaluated: 2024-06-19. Review status: criteria provided, single submitter. Criteria: ACMG Guidelines, 2015. Collection method: clinical testing. Allele origin: germline.

Rady Children's Institute for Genomic Medicine, Rady Children's Hospital San Diego
Classification: Pathogenic for PIEZO1-Related Disorders. Last evaluated: 2024-01-15. Review status: criteria provided, single submitter. Criteria: ACMG Guidelines, 2015. Collection method: clinical testing. Allele origin: germline. Affected: yes.
Comment: This variant is also known as c.7473_7478dup (p.Glu2492_Leu2493dup) and E2496ELE in the literature (PMID: 23695678). This 6-base pair in-frame duplication variant found in exon 51 of 51 leads to the duplication of 2 amino acid residues but preserves the reading frame. This variant has been previously reported as a heterozygous change in multiple unrelated patients with dehydrated hereditary stomatocytosis (PMID: 23695678, 36864026, 32112123, 32036089, 32109669). Functional studies demonstrate that this is a gain-of-function variant, as it leads to increased cell permeability that results in the loss of potassium and subsequent dehydration (PMID: 23695678). The c.7483_7488dup (p.Leu2495_Glu2496dup) variant is absent from the gnomAD population database and thus is presumed to be rare. Based on the available evidence, c.7483_7488dup (p.Leu2495_Glu2496dup) is classified as Pathogenic.

ARUP Laboratories, Molecular Genetics and Genomics, ARUP Laboratories
Classification: Pathogenic. Last evaluated: 2024-01-12. Review status: criteria provided, single submitter. Criteria: ARUP Molecular Germline Variant Investigation Process 2024. Collection method: clinical testing. Allele origin: germline.
Comment: The PIEZO1 c.7483_7488dup; p.Leu2495_Glu2496dup variant (rs587776992), also known as E2496ELE, is reported in the literature in multiple unrelated individuals affected with hereditary xerocytosis, also known as dehydrated hereditary stomatocytosis (DHS) (Albuisson 2013, Grootenboer 1998, More 2020, Nakahara 2023), and has also been shown to co-segregate in a family diagnosed with hereditary high phosphatidylcholine hemolytic anemia (Imashuku 2016). Functional analyses of this variant show gain of PIEZO1 protein function leading to altered mechanotransduction activity of the membrane pore channel (Glogowska 2017). This variant is also reported in ClinVar (Variation ID: 418948). This variant is absent from the Genome Aggregation Database, indicating it is not a common polymorphism. This variant duplicates two amino acid residues while leaving the rest of the protein in-frame. Based on available information, this variant is considered to be pathogenic. References: Albuisson J et al. Dehydrated hereditary stomatocytosis linked to gain-of-function mutations in mechanically activated PIEZO1 ion channels. Nat Commun. 2013 PMID: 23695678. Glogowska E et al. Novel mechanisms of PIEZO1 dysfunction in hereditary xerocytosis. Blood. 2017 Oct 19. PMID: 28716860. Grootenboer S et al. A genetic syndrome associating dehydrated hereditary stomatocytosis, pseudohyperkalaemia and perinatal oedema. Br J Haematol. 1998 Nov. PMID: 9827909. Imashuku S et al. PIEZO1 gene mutation in a Japanese family with hereditary high phosphatidylcholine hemolytic anemia and hemochromatosis-induced diabetes mellitus. Int J Hematol. 2016 Jul. PMID: 26971963. More TA et al. Mechanosensitive Piezo1 ion channel protein (PIEZO1 gene): update and extended mutation analysis of hereditary xerocytosis in India. Ann Hematol. 2020 Apr. PMID: 32112123. Nakahara E et al. Variant spectrum of PIEZO1 and KCNN4 in Japanese patients with dehydrated hereditary stomatocytosis. Hum Genome Var. 2023 Mar 2. PMID: 36864026

CeGaT Center for Human Genetics Tuebingen
Classification: Pathogenic. Last evaluated: 2020-07-01. Review status: criteria provided, single submitter. Criteria: CeGaT Center For Human Genetics Tuebingen Variant Classification Criteria Version 2. Collection method: clinical testing. Allele origin: germline. Affected: yes. Observed: 1 variant allele.

Institute of Human Genetics Munich, TUM University Hospital
Classification: Pathogenic for Dehydrated hereditary stomatocytosis with or without pseudohyperkalemia and/or perinatal edema. Last evaluated: 2020-01-14. Review status: criteria provided, single submitter. Criteria: Classification criteria August 2017. Collection method: clinical testing. Allele origin: germline. Inheritance: Autosomal dominant inheritance. Affected: yes. Observed: 1 heterozygote.

Neuberg Centre For Genomic Medicine, NCGM
Classification: Pathogenic for Lymphatic malformation 6. Review status: criteria provided, single submitter. Criteria: ACMG Guidelines, 2015. Collection method: clinical testing. Allele origin: germline. Inheritance: Autosomal dominant inheritance. Affected: yes.

OMIM
Classification: Pathogenic for DEHYDRATED HEREDITARY STOMATOCYTOSIS. Last evaluated: 2013-01-01. Review status: no assertion criteria provided. Collection method: literature only. Allele origin: germline. Not counted in ClinVar's aggregate classification.

Literature cited by the submitters: PubMed 23695678 (cited by 3 submitters); PubMed 30187933 (cited by Labcorp Genetics (formerly Invitae), Labcorp and Center for Genomic Medicine, Rigshospitalet, Copenhagen University Hospital); PubMed 9827909 (cited by OMIM); PubMed 18377960 (cited by OMIM).

NM_001142864.4(PIEZO1):c.7477CTGGAG[3] (p.2493LE[3])

Gene: PIEZO1 (piezo type mechanosensitive ion channel component 1 (Er blood group); minus strand). Cytogenetic location: 16q24.3.
Variant type: Microsatellite.
Coding change: c.7477CTGGAG[3] on transcript NM_001142864.4 (MANE Select); three copies in a row of the 6-base unit CTGGAG starting at c.7477; the reference has two copies in a row; one copy, 6 bases duplicated; also written c.7483_7488dup.
Protein change: p.2493LE[3].
Molecular consequence: inframe insertion.
Genome position (GRCh38, 1-based): chr16:88,715,683-88,715,688, CTCCAG duplicated on the plus strand (CTGGAG on the coding strand, the reverse complement: PIEZO1 is on the minus strand); duplicating any 6 consecutive bases within chr16:88,715,683-88,715,698 gives the same sequence; the position shown is the placement nearest the transcript's 3' end. VCF-style (leftmost placement, unchanged base first): chr16-88715682-C-CCTCCAG. GRCh37 (hg19) VCF-style: chr16-88782090-C-CCTCCAG.
Other names: c.7483_7488dup6 (NM_001142864.2, NM_001142864.3); c.7483_7488dupCTGGAG (NM_001142864.4); c.7483_7488dup (NM_001142864.2, NM_001142864.3, NM_001142864.4).
Identifiers: ClinVar variation 418948 (VCV000418948.74), dbSNP rs587776992, ClinGen allele CA211291.
Genomic context (GRCh38, chr16:88,715,682, plus strand): 5'-TCCACTTGATCATGGTCTCCGGTGAGCGGTAGAGGAAGATGAGCTTGGCGTACAACTCCT[C>CCTCCAG]CTCCAGCTCCAGCTCCCGAGTCTCCCGCACCAGGAAGATGTCCTGGCAGAGCTTGAGGAT-3'